The following is an entry in ClinVar:

NM_000536.4(RAG2):c.1352G>C (p.Gly451Ala)

Gene: RAG2 (recombination activating 2; minus strand). Cytogenetic location: 11p12.
Variant type: single nucleotide variant.
Coding change: c.1352G>C on transcript NM_000536.4 (MANE Select); coding-DNA position 1352, G replaced by C.
Protein change: p.Gly451Ala; replaces glycine 451 with alanine.
Molecular consequence: missense variant.
Genome position (GRCh38, 1-based): chr11:36,592,817, C>G on the plus strand (G>C on the coding strand, the complement: RAG2 is on the minus strand). VCF-style: chr11-36592817-C-G. GRCh37 (hg19) VCF-style: chr11-36614367-C-G.
Other names: NM_000536.4(RAG2):c.1352G>C; c.1352G>C, p.Gly451Ala (NM_001243785.2, NM_001243786.2); short protein forms G451A.
Identifiers: ClinVar variation 13138 (VCV000013138.46), dbSNP rs121918575, ClinGen allele CA122872.

ClinVar aggregate classification (germline): Pathogenic. Review status: reviewed by expert panel (3 of 4 stars). 15 submissions from 15 submitters: Pathogenic (1). 14 of the submissions do not count toward it. Last evaluated 2023-11-14.

Conditions:
Recombinase activating gene 2 deficiency. Also called: RAG2 deficiency. Identifiers: MedGen CN257931, MONDO:0000573.
RAG2-related disorder. Also called: RAG2-related condition.
Inborn error of immunity. Also called: Primary immunodeficiency; Inborn errors of immunity. Identifiers: Orphanet 101997, MedGen C0398686, MONDO:0003778.
Combined immunodeficiency with skin granulomas. Identifiers: Orphanet 157949, MedGen C2673536, MONDO:0009306, OMIM 233650.
Severe combined immunodeficiency, autosomal recessive, T cell-negative, B cell-negative, NK cell-positive. Also called: Severe combined immunodeficiency due to complete RAG1/2 deficiency; SCID, AR, T-cell negative, B-cell negative, NK cell-positive; SCID, T CELL-NEGATIVE, B CELL-NEGATIVE, NK CELL-POSITIVE. Identifiers: Orphanet 331206, MedGen C1832322, MONDO:0011086, OMIM 601457.
Common variable immunodeficiency (CVID). Also called: Common variable hypogamma-globulinemia; Common variable agammaglobulinemia. Identifiers: Orphanet 1572, MedGen C0009447, MONDO:0015517.
Histiocytic medullary reticulosis. Also called: SEVERE COMBINED IMMUNODEFICIENCY WITH HYPEREOSINOPHILIA; Omenn syndrome. Identifiers: Orphanet 39041, MedGen C2700553, MONDO:0011338, OMIM 603554.
Severe combined immunodeficiency disease. Also called: Severe Combined Immune Deficiency; Severe combined immunodeficiency. Identifiers: Orphanet 183660, MedGen C0085110, MeSH D016511, MONDO:0015974, HP:0004430. Inheritance: X-Linked or Autosomal recessive.
Primary ciliary dyskinesia. Also called: Ciliary dyskinesia. Identifiers: Orphanet 244, MedGen C0008780, MONDO:0016575, HP:0012265.

Allele frequency attached by ClinVar (database versions not stated): ExAC 0.00004; gnomAD 0.00004; gnomAD exomes 0.00004 and 0.00008; TOPMed 0.00011.

Submissions 1 to 10 of 15:

ClinGen Severe Combined Immunodeficiency Variant Curation Expert Panel, ClinGen
Classification: Pathogenic for Recombinase activating gene 2 deficiency. Last evaluated: 2023-11-14. Review status: reviewed by expert panel. Criteria: ClinGen SCID ACMG Specifications RAG2 V1.0.0. Collection method: curation. Allele origin: germline. Inheritance: Autosomal recessive inheritance.
Comment: The NM_000536.4:c.1352G>C variant in RAG2 is a missense variant predicted to cause the substitution of glycine by alanine at amino acid 451 (p.Gly451Ala). The variant has been identified in at least 8 individuals. Three individuals described by Dr. Jolan were homozygous for this variant (reaching the maximum of 1 pt for homozygous occurrence). One individual with Omenn Syndrome was heterozygous for this variant and a p.R229Q variant, which is classified as pathogenic according to the SCID VCEP specifications. The trans phase was not confirmed (0.5 points, PMID 32655540). One individual with CID was heterozygous for this variant, and p.M459L, a likely pathogenic variant classified by the SCID VCEP. The trans phase was not confirmed (0.25pt, PMID 26457731). Three other individuals were heterozygous for this variant and a VUS (p.I210T, PMID 31334206; p.G32E, PMID 26457731; p.T77N, PMID 18463379, 24331380, 26457731, 29772310). 1.75 points in total, PM3 is met. These three homozygous individuals described by Dr. Jolan are from the same family: 3 affected segregations, LOD score 1.81, PP1_Strong. The filtering allele frequency (the upper threshold of the 95% CI of 9/129174 alleles) of this variant in gnomAD v.2.1.1 is 0.00003418 for European (non-Finnish) chromosomes, which is lower than the ClinGen SCID VCEP threshold (<0.0000588) for PM2_Supporting, and therefore meets this criterion (PM2_Supporting) This variant resides within the PHD domain region, amino acids 414-487, of RAG2, defined as a critical functional domain by the ClinGen SCID VCEP (PM1). In one study (PMID 29772310), a recombination activity assay shows that the relevant activity of the p.G451A variant to wildtype RAG2 is 66.3%, which is higher than the SCID VCEP threshold (<60%) for PS3_supporting. However, in two other studies (PMID 18463379, 24331380), the relevant activity of the variant is shown to be 30% and 27.6%, respectively, which falls in the SCID VCEP threshold (>25% and <60%) for PS3_supporting (PS3_Supporting). Diagnostic criteria for SCID/Leaky SCID/Omenn syndrome met 0.5pts + SCID gene panel or exome/genome sequencing conducted 0.5pts; the total is 1 point, PP4 is met (PMID: 32655540). In summary, this variant meets the criteria to be classified as Pathogenic for SCID due to recombinase activating gene 2 deficiency. ACMG/AMP criteria applied, as specified by the ClinGen SCID-VCEP: PM3, PM2_Supporting, PM1, PS3_Supporting, PP4, and PP1_Strong. (VCEP specifications version 1.0).

Department of Human Genetics, Hannover Medical School
Classification: Uncertain significance for Primary Ciliary Dyskinesia. Last evaluated: 2026-04-01. Review status: criteria provided, single submitter. Criteria: ACMG Guidelines, 2015. Collection method: research. Allele origin: germline. Affected: no. Not counted in ClinVar's aggregate classification.
Comment: Classification performed by HerediClassify using the following criteria:['PM1_supporting: Variant in mutational hotspot.', 'PM2_supporting: Variant occures does not occur as homozygous in gnomAD.', 'PP3_protein_moderate: Variant is predicted to be pathogenic by REVEL with evidence strength moderate meeting a threshold of 0.773 (value: 0.91).']

Labcorp Genetics (formerly Invitae), Labcorp
Classification: Pathogenic for Combined immunodeficiency with skin granulomas; Severe combined immunodeficiency, autosomal recessive, T cell-negative, B cell-negative, NK cell-positive. Last evaluated: 2026-01-18. Review status: criteria provided, single submitter. Criteria: Invitae Variant Classification Sherloc (09022015). Collection method: clinical testing. Allele origin: germline. Not counted in ClinVar's aggregate classification.
Comment: This sequence change replaces glycine, which is neutral and non-polar, with alanine, which is neutral and non-polar, at codon 451 of the RAG2 protein (p.Gly451Ala). This variant is present in population databases (rs121918575, gnomAD 0.008%). This missense change has been observed in individual(s) with RAG2-related conditions (PMID: 18463379, 26457731, 32581362, 32655540). ClinVar contains an entry for this variant (Variation ID: 13138). Invitae Evidence Modeling of protein sequence and biophysical properties (such as structural, functional, and spatial information, amino acid conservation, physicochemical variation, residue mobility, and thermodynamic stability) indicates that this missense variant is expected to disrupt RAG2 protein function with a positive predictive value of 95%. Experimental studies have shown that this missense change affects RAG2 function (PMID: 18463379, 24331380). For these reasons, this variant has been classified as Pathogenic.

Natera, Inc.
Classification: Pathogenic for Omenn syndrome. Last evaluated: 2025-06-01. Review status: criteria provided, single submitter. Criteria: Natera Variant Classification Schema (03/2026). Collection method: clinical testing. Allele origin: germline. Not counted in ClinVar's aggregate classification.
Comment: The c.1352G>C variant in RAG2 is a missense variant predicted to cause substitution of glycine to alanine at amino acid 451. This variant is rare in the general population with a frequency below the threshold expected for the associated phenotype(s). This variant has been observed in one or more individuals affected with the associated recessive disease, as either homozygous or compound heterozygous with a second variant (PMID: 32655540, 38165471, 29772310). Computational prediction algorithms indicate this variant is likely to affect gene or protein function. Given the available evidence, this variant is classified as Pathogenic.

Blueprint Genetics
Classification: Pathogenic for RAG2-related disorders. Last evaluated: 2024-07-01. Review status: criteria provided, single submitter. Criteria: ACMG Guidelines, 2015. Collection method: clinical testing. Allele origin: germline. Affected: yes. Observed: 5 variant alleles. Not counted in ClinVar's aggregate classification.

CeGaT Center for Human Genetics Tuebingen
Classification: Pathogenic. Last evaluated: 2024-07-01. Review status: criteria provided, single submitter. Criteria: CeGaT Center For Human Genetics Tuebingen Variant Classification Criteria Version 2. Collection method: clinical testing. Allele origin: germline. Affected: yes. Observed: 1 variant allele. Not counted in ClinVar's aggregate classification.
Comment: RAG2: PM3:Very Strong, PM1, PM2, PP3, PS3:Supporting

Baylor Genetics
Classification: Pathogenic for Combined immunodeficiency with skin granulomas. Last evaluated: 2024-02-29. Review status: criteria provided, single submitter. Criteria: ACMG Guidelines, 2015. Collection method: clinical testing. Allele origin: unknown. Not counted in ClinVar's aggregate classification.

Fulgent Genetics
Classification: Pathogenic for Combined immunodeficiency with skin granulomas; Severe combined immunodeficiency, autosomal recessive, T cell-negative, B cell-negative, NK cell-positive; Histiocytic medullary reticulosis. Last evaluated: 2024-01-07. Review status: criteria provided, single submitter. Criteria: ACMG Guidelines, 2015. Collection method: clinical testing. Allele origin: germline. Not counted in ClinVar's aggregate classification.

GeneDx
Classification: Pathogenic. Last evaluated: 2023-10-27. Review status: criteria provided, single submitter. Criteria: GeneDx Variant Classification Process June 2021. Collection method: clinical testing. Allele origin: germline. Affected: yes. Not counted in ClinVar's aggregate classification.
Comment: Published functional studies demonstrate that the variant has a detrimental effect on V(D)J recombination activity (Schuetz et al., 2008, Tirosh et al., 2019); In silico analysis supports that this missense variant does not alter protein structure/function; This variant is associated with the following publications: (PMID: 24331380, 30877075, 18463379, 26457731, 31334206, 29477728, 29772310, 31388879, 31980526, 21664875, 32655540, 27539235, 26996199, 32581362, 27825771, 20234091)

Revvity Omics, Revvity
Classification: Pathogenic. Last evaluated: 2023-06-13. Review status: criteria provided, single submitter. Criteria: ACMG Guidelines, 2015. Collection method: clinical testing. Allele origin: germline. Not counted in ClinVar's aggregate classification.